The following is an entry in ClinVar:

NM_000243.3(MEFV):c.1104C>A (p.Ser368Arg)

Gene: MEFV (MEFV innate immunity regulator, pyrin; minus strand). Cytogenetic location: 16p13.3.
Variant type: single nucleotide variant.
Coding change: c.1104C>A on transcript NM_000243.3 (MANE Select); coding-DNA position 1104, C replaced by A.
Protein change: p.Ser368Arg; replaces serine 368 with arginine.
Molecular consequence: missense variant.
Genome position (GRCh38, 1-based): chr16:3,249,587, G>T on the plus strand (C>A on the coding strand, the complement: MEFV is on the minus strand). VCF-style: chr16-3249587-G-T. GRCh37 (hg19) VCF-style: chr16-3299587-G-T.
Other names: c.471C>A, p.Ser157Arg (NM_001198536.2); short protein forms S157R, S368R.
Identifiers: ClinVar variation 3364837 (VCV003364837.2).

ClinVar aggregate classification (germline): Uncertain significance. Review status: criteria provided, multiple submitters, no conflicts (2 of 4 stars). 2 submissions from 2 submitters: Uncertain significance (2). Last evaluated 2024-02-13.

Conditions:
Familial Mediterranean fever, autosomal dominant. Also called: FMF, AUTOSOMAL DOMINANT; Dominant Familial Mediterranean Fever. Identifiers: Orphanet 342, MedGen C1851347, MONDO:0007601, OMIM 134610.
Acute febrile neutrophilic dermatosis (AFND). Also called: Sweet Syndrome; Gomm Button disease. Identifiers: Orphanet 3243, MedGen C0085077, MONDO:0011959, OMIM 608068.
Familial Mediterranean fever (FMF). Also called: POLYSEROSITIS, FAMILIAL PAROXYSMAL; POLYSEROSITIS, RECURRENT; Periodic peritonitis; Benign paroxysmal peritonitis. Identifiers: Orphanet 342, MedGen C0031069, MONDO:0018088, OMIM 249100. Disease mechanism: gain of function.

gnomAD v4.1: 11 of 1,614,096 alleles (0.00068%); highest among the groups gnomAD compares: African/African-American, 0.0013%; no homozygotes.

Submissions (2):

Fulgent Genetics
Classification: Uncertain significance for Familial Mediterranean fever, autosomal dominant; Familial Mediterranean fever; Acute febrile neutrophilic dermatosis. Last evaluated: 2024-02-13. Review status: criteria provided, single submitter. Criteria: ACMG Guidelines, 2015. Collection method: clinical testing. Allele origin: germline.

GeneDx
Classification: Uncertain significance. Last evaluated: 2023-11-22. Review status: criteria provided, single submitter. Criteria: GeneDx Variant Classification Process June 2021. Collection method: clinical testing. Allele origin: germline. Affected: yes.
Comment: In silico analysis supports that this missense variant does not alter protein structure/function; Has not been previously published as pathogenic or benign to our knowledge